The following is an entry in ClinVar:

ClinVar aggregate classification (germline): Uncertain significance (0 of 4 stars; one submission).

Conditions:
DMD-related disorder. Also called: DMD-related condition.

Submission:

PreventionGenetics, part of Exact Sciences
Classification: Uncertain significance for DMD-related condition. Last evaluated: 2024-04-02. Review status: no assertion criteria provided. Collection method: clinical testing. Allele origin: germline.
Comment: The DMD c.2282_2287del6 variant is predicted to result in an in-frame deletion (p.Glu761_Lys762del). To our knowledge, this variant has not been reported in the literature or in a large population database, indicating this variant is rare. At this time, the clinical significance of this variant is uncertain due to the absence of conclusive functional and genetic evidence.

NM_004006.3(DMD):c.2282_2287del (p.Glu761_Lys762del)

Gene: DMD (dystrophin; minus strand). Cytogenetic location: Xp21.1.
Variant type: Deletion.
Coding change: c.2282_2287del on transcript NM_004006.3 (MANE Select); coding-DNA positions 2282 to 2287, 6 bases deleted (AAAAAG; older notation c.2282_2287delAAAAAG).
Protein change: p.Glu761_Lys762del.
Molecular consequence: inframe deletion. On other transcripts: inframe indel (1).
Genome position (GRCh38, 1-based): chrX:32,518,013-32,518,018, CTTTTT deleted on the plus strand (AAAAAG on the coding strand, the reverse complement: DMD is on the minus strand); deleting any 6 consecutive bases within chrX:32,518,013-32,518,023 gives the same sequence; the c. name uses the placement nearest the transcript's 3' end. VCF-style (leftmost placement, unchanged base first): chrX-32518012-ACTTTTT-A. GRCh37 (hg19) VCF-style: chrX-32536129-ACTTTTT-A.
Other names: c.2258_2263del, p.Glu753_Lys754del (NM_000109.4); c.2270_2275del, p.Glu757_Lys758del (NM_004009.3); c.1913_1918del, p.Glu638_Lys639del (NM_004010.3); c.2282_2287del6 (NM_004006.2).
Identifiers: ClinVar variation 2631017 (VCV002631017.2), dbSNP rs2525544828, ClinGen allele CA2693410379.